The following is an entry in ClinVar:

NM_001199138.2(NLRC4):c.380T>C (p.Ile127Thr)

Gene: NLRC4 (NLR family CARD domain containing 4; minus strand). Cytogenetic location: 2p22.3.
Variant type: single nucleotide variant.
Coding change: c.380T>C on transcript NM_001199138.2 (MANE Select); coding-DNA position 380, T replaced by C.
Protein change: p.Ile127Thr; replaces isoleucine 127 with threonine.
Molecular consequence: missense variant. On other transcripts: intron variant (1).
Genome position (GRCh38, 1-based): chr2:32,251,484, A>G on the plus strand (T>C on the coding strand, the complement: NLRC4 is on the minus strand). VCF-style: chr2-32251484-A-G. GRCh37 (hg19) VCF-style: chr2-32476553-A-G.
Other names: c.380T>C, p.Ile127Thr (NM_001199139.2, NM_021209.5); c.262+935T>C (NM_001302504.1); short protein forms I127T.
Identifiers: ClinVar variation 850667 (VCV000850667.46), dbSNP rs369074805, ClinGen allele CA1602150.
Genomic context (GRCh38, chr2:32,251,484, plus strand): 5'-TGATGGTGTTGGTCCTTCCTCCACAGGACAGGTTCTGTGAAGGTGCTTTTCAAGTTAAAA[A>G]TAATGTCAATATCTTCACCAAGGGGATAAAAGTTCAGAAAAGATGGGGTATGGTACAAGT-3'
Protein context (NP_001186067.1, residues 117-137): FYPLGEDIDI[Ile127Thr]FNLKSTFTEP

ClinVar aggregate classification (germline): Uncertain significance. Review status: criteria provided, multiple submitters, no conflicts (2 of 4 stars). 3 submissions from 3 submitters: Uncertain significance (3). Last evaluated 2025-09-29.

Conditions:
Inborn genetic diseases. Identifiers: MedGen C0950123, MeSH D030342.
Familial cold autoinflammatory syndrome 4 (FCAS4). Identifiers: Orphanet 47045, Orphanet 576349, MedGen C4015276, MONDO:0014498, OMIM 616115.
Periodic fever-infantile enterocolitis-autoinflammatory syndrome. Also called: Autoinflammation with infantile enterocolitis. Identifiers: Orphanet 436166, MedGen C4015067, MONDO:0014472, OMIM 616050.

gnomAD v4.1: 36 of 1,614,048 alleles (0.0022%); highest among the groups gnomAD compares: Non-Finnish European, 0.0028%; no homozygotes.

Submissions (3):

Labcorp Genetics (formerly Invitae), Labcorp
Classification: Uncertain significance for Periodic fever-infantile enterocolitis-autoinflammatory syndrome; Familial cold autoinflammatory syndrome 4. Last evaluated: 2025-09-29. Review status: criteria provided, single submitter. Criteria: Invitae Variant Classification Sherloc (09022015). Collection method: clinical testing. Allele origin: germline.
Comment: This sequence change replaces isoleucine, which is neutral and non-polar, with threonine, which is neutral and polar, at codon 127 of the NLRC4 protein (p.Ile127Thr). This variant is present in population databases (rs369074805, gnomAD 0.005%). This variant has not been reported in the literature in individuals affected with NLRC4-related conditions. ClinVar contains an entry for this variant (Variation ID: 850667). Invitae Evidence Modeling of protein sequence and biophysical properties (such as structural, functional, and spatial information, amino acid conservation, physicochemical variation, residue mobility, and thermodynamic stability) indicates that this missense variant is expected to disrupt NLRC4 protein function with a positive predictive value of 80%. In summary, the available evidence is currently insufficient to determine the role of this variant in disease. Therefore, it has been classified as a Variant of Uncertain Significance.

Ambry Genetics
Classification: Uncertain significance for Inborn genetic diseases. Last evaluated: 2024-10-29. Review status: criteria provided, single submitter. Criteria: Ambry Variant Classification Scheme 2023. Collection method: clinical testing. Allele origin: germline.

CeGaT Center for Human Genetics Tuebingen
Classification: Uncertain significance. Last evaluated: 2020-08-01. Review status: criteria provided, single submitter. Criteria: CeGaT Center For Human Genetics Tuebingen Variant Classification Criteria Version 2. Collection method: clinical testing. Allele origin: germline. Affected: yes. Observed: 1 variant allele.